The following is an entry in ClinVar:

ClinVar aggregate classification (germline): Uncertain significance. Review status: criteria provided, single submitter (1 of 4 stars). 2 submissions from 2 submitters: Uncertain significance (1). 1 of the submissions does not count toward it. Last evaluated 2022-05-21.

Conditions:
CYB5R3-related disorder. Also called: CYB5R3-related condition.

Submissions (2):

Labcorp Genetics (formerly Invitae), Labcorp
Classification: Uncertain significance. Last evaluated: 2022-05-21. Review status: criteria provided, single submitter. Criteria: Invitae Variant Classification Sherloc (09022015). Collection method: clinical testing. Allele origin: germline.
Comment: In summary, the available evidence is currently insufficient to determine the role of this variant in disease. Therefore, it has been classified as a Variant of Uncertain Significance. Variants that disrupt the consensus splice site are a relatively common cause of aberrant splicing (PMID: 17576681, 9536098). Algorithms developed to predict the effect of sequence changes on RNA splicing suggest that this variant may disrupt the consensus splice site. Algorithms developed to predict the effect of missense changes on protein structure and function are either unavailable or do not agree on the potential impact of this missense change (SIFT: "Deleterious"; PolyPhen-2: "Probably Damaging"; Align-GVGD: "Class C15"). ClinVar contains an entry for this variant (Variation ID: 1047255). This missense change has been observed in individual(s) with CYB5R3-related conditions (Invitae). This variant is not present in population databases (gnomAD no frequency). This sequence change replaces glycine, which is neutral and non-polar, with arginine, which is basic and polar, at codon 155 of the CYB5R3 protein (p.Gly155Arg). This variant also falls at the last nucleotide of exon 5, which is part of the consensus splice site for this exon.

PreventionGenetics, part of Exact Sciences
Classification: Uncertain significance for CYB5R3-related condition. Last evaluated: 2024-03-15. Review status: no assertion criteria provided. Collection method: clinical testing. Allele origin: germline. Not counted in ClinVar's aggregate classification.
Comment: The CYB5R3 c.463G>A variant is predicted to result in the amino acid substitution p.Gly155Arg. To our knowledge, this variant has not been reported in the literature or in a large population database, indicating this variant is rare. An alternate nucleotide change affecting the same amino acid (c. 461G>A; p.Gly155Glu) has been previously reported in the homozygous state in an individual with a clinically mild congenital methemoglobinemia type I (Warang et al. 2015. PubMed ID: 24266649). At this time, the clinical significance of this variant is uncertain due to the absence of conclusive functional and genetic evidence.

Literature cited by the submitters: PubMed 17576681 (cited by Labcorp Genetics (formerly Invitae), Labcorp); PubMed 9536098 (cited by Labcorp Genetics (formerly Invitae), Labcorp).

NM_000398.7(CYB5R3):c.463G>A (p.Gly155Arg)

Gene: CYB5R3 (cytochrome b5 reductase 3; minus strand). Cytogenetic location: 22q13.2.
Variant type: single nucleotide variant.
Coding change: c.463G>A on transcript NM_000398.7 (MANE Select); coding-DNA position 463, G replaced by A.
Protein change: p.Gly155Arg; replaces glycine 155 with arginine.
Molecular consequence: missense variant.
Genome position (GRCh38, 1-based): chr22:42,628,152, C>T on the plus strand (G>A on the coding strand, the complement: CYB5R3 is on the minus strand). VCF-style: chr22-42628152-C-T. GRCh37 (hg19) VCF-style: chr22-43024158-C-T.
Other names: c.394G>A, p.Gly132Arg (NM_001129819.2, NM_001171661.1, NM_007326.4); c.562G>A, p.Gly188Arg (NM_001171660.2); c.463G>A (NM_000398.6); short protein forms G132R, G155R, G188R.
Identifiers: ClinVar variation 1047255 (VCV001047255.9), dbSNP rs1928395634, ClinGen allele CA411798904.
Genomic context (GRCh38, chr22:42,628,152, plus strand): 5'-GCCCAAGCTCTCCAATTCTCTGAGCCTGCCGTGTAACCAAGGGATTCCGACCCGAATCAC[C>T]TTTGCCCTGGTAGACCAGCAGCCCACTGGGGCCCCGGAACTCAATGGTGTCTCCAATCTG-3'
Protein context (NP_000389.1, residues 145-165): PSGLLVYQGK[Gly155Arg]KFAIRPDKKS